The following is an entry in ClinVar:

NM_000053.4(ATP7B):c.3693_3697delinsTCTGGTACATTAACATTAA (p.Thr1232_Gln1233delinsLeuValHisTer)

Gene: ATP7B (ATPase copper transporting beta; minus strand). Cytogenetic location: 13q14.3.
Variant type: Indel.
Coding change: c.3693_3697delinsTCTGGTACATTAACATTAA on transcript NM_000053.4 (MANE Select); coding-DNA positions 3693 to 3697, CACCC replaced by TCTGGTACATTAACATTAA.
Protein change: p.Thr1232_Gln1233delinsLeuValHisTer.
Molecular consequence: nonsense.
Genome position (GRCh38, 1-based): chr13:51,939,053-51,939,057, GGGTG replaced by TTAATGTTAATGTACCAGA on the plus strand (CACCC replaced by TCTGGTACATTAACATTAA on the coding strand, the reverse complement: ATP7B is on the minus strand). VCF-style: chr13-51939053-GGGTG-TTAATGTTAATGTACCAGA. GRCh37 (hg19) VCF-style: chr13-52513189-GGGTG-TTAATGTTAATGTACCAGA.
Other names: c.3072_3076delinsTCTGGTACATTAACATTAA, p.Thr1025_Gln1026delinsLeuValHisTer (NM_001005918.3); c.3360_3364delinsTCTGGTACATTAACATTAA, p.Thr1121_Gln1122delinsLeuValHisTer (NM_001243182.2); c.3459_3463delinsTCTGGTACATTAACATTAA, p.Thr1154_Gln1155delinsLeuValHisTer (NM_001330578.2); c.3441_3445delinsTCTGGTACATTAACATTAA, p.Thr1148_Gln1149delinsLeuValHisTer (NM_001330579.2).
Identifiers: ClinVar variation 918134 (VCV000918134.9), dbSNP rs1957151127, ClinGen allele CA1139663301.

ClinVar aggregate classification (germline): Pathogenic/Likely pathogenic. Review status: criteria provided, multiple submitters, no conflicts (2 of 4 stars). 5 submissions from 5 submitters: Pathogenic (3); Likely pathogenic (2). Last evaluated 2024-11-27.

Conditions:
Wilson disease (WND). Also called: Wilson's disease. Identifiers: Orphanet 905, MedGen C0019202, MONDO:0010200, OMIM 277900. Disease mechanism: loss of function.

Submissions (5):

Natera, Inc.
Classification: Likely pathogenic for Wilson disease. Last evaluated: 2024-11-27. Review status: criteria provided, single submitter. Criteria: Natera Variant Classification Schema (03/2026). Collection method: clinical testing. Allele origin: germline.
Comment: The c.3693_3697delinsTCTGGTACATTAACATTAA variant in ATP7B is a frameshift variant predicted to shift the reading frame beginning at codon 1232 and leads to a stop codon 4 codons downstream. This variant is expected to result in nonsense mediated decay, truncation, or a dysfunctional protein product. This variant is rare in the general population with a frequency below the threshold expected for the associated phenotype(s). Given the available evidence, this variant is classified as Likely Pathogenic.

All of Us Research Program, National Institutes of Health
Classification: Pathogenic for Wilson disease. Last evaluated: 2024-09-27. Review status: criteria provided, single submitter. Criteria: ACMG Guidelines, 2015. Collection method: clinical testing. Allele origin: germline. Inheritance: Autosomal recessive inheritance. Observed: 2 variant alleles, 2 heterozygotes.
Comment: This variant replaces 5 nucleotides in exon 17 of the ATP7B gene with 19 novel nucleotides (c.3693_3697delinsTCTGGTACATTAACATTAA), creating a frameshift and premature translation stop signal. This variant is expected to result in an absent or non-functional protein product. To our knowledge, this variant has not been reported in individuals affected with ATP7B-related disorders in the literature. This variant has not been identified in the general population by the Genome Aggregation Database (gnomAD). Loss of ATP7B function is a known mechanism of disease. Based on the available evidence, this variant is classified as Pathogenic.

This study involves interpretation of variants in research participants for the purpose of population health screening. Participant phenotype was not available at the time of variant classification. Additional details can be found in publication PMID: 35346344, PMCID: PMC8962531

Color Diagnostics, LLC DBA Color Health
Classification: Pathogenic for Wilson disease. Last evaluated: 2024-08-29. Review status: criteria provided, single submitter. Criteria: ACMG Guidelines, 2015. Collection method: clinical testing. Allele origin: germline.
Comment: This variant replaces 5 nucleotides in exon 17 of the ATP7B gene with 19 novel nucleotides (c.3693_3697delinsTCTGGTACATTAACATTAA), creating a frameshift and premature translation stop signal. This variant is expected to result in an absent or non-functional protein product. To our knowledge, this variant has not been reported in individuals affected with ATP7B-related disorders in the literature. This variant has not been identified in the general population by the Genome Aggregation Database (gnomAD). Loss of ATP7B function is a known mechanism of disease. Based on the available evidence, this variant is classified as Pathogenic.

Labcorp Genetics (formerly Invitae), Labcorp
Classification: Pathogenic for Wilson disease. Last evaluated: 2022-08-05. Review status: criteria provided, single submitter. Criteria: Invitae Variant Classification Sherloc (09022015). Collection method: clinical testing. Allele origin: germline.
Comment: This variant is not present in population databases (gnomAD no frequency). This sequence change creates a premature translational stop signal (p.Thr1232Leufs*4) in the ATP7B gene. It is expected to result in an absent or disrupted protein product. Loss-of-function variants in ATP7B are known to be pathogenic (PMID: 10441329, 16283883). This variant has not been reported in the literature in individuals affected with ATP7B-related conditions. For these reasons, this variant has been classified as Pathogenic. ClinVar contains an entry for this variant (Variation ID: 918134).

Women's Health and Genetics/Laboratory Corporation of America, LabCorp
Classification: Likely pathogenic for Wilson disease. Last evaluated: 2020-03-04. Review status: criteria provided, single submitter. Criteria: LabCorp Variant Classification Summary - May 2015. Collection method: clinical testing. Allele origin: germline.
Comment: Variant summary: ATP7B c.3693_3697delinsTCTGGTACATTAACATTAA (also known as c.3693_3697delins19, p.Thr1232LeufsX4) results in a premature termination codon, predicted to cause a truncation of the encoded protein or absence of the protein due to nonsense mediated decay, which are commonly known mechanisms for disease. Truncations downstream of this position have been classified as pathogenic by our laboratory. The variant was absent in 249572 control chromosomes (gnomAD). To our knowledge, no occurrence of c.3693_3697delinsTCTGGTACATTAACATTAA in individuals affected with Wilson Disease and no experimental evidence demonstrating its impact on protein function have been reported. No clinical diagnostic laboratories have submitted clinical-significance assessments for this variant to ClinVar after 2014. Based on the evidence outlined above, the variant was classified as likely pathogenic.

Literature cited by the submitters: PubMed 10441329 (cited by Labcorp Genetics (formerly Invitae), Labcorp); PubMed 16283883 (cited by Labcorp Genetics (formerly Invitae), Labcorp).